The following is an entry in ClinVar:

NM_004855.5(PIGB):c.878T>G (p.Phe293Cys)

Gene: PIGB (phosphatidylinositol glycan anchor biosynthesis class B; plus strand). Cytogenetic location: 15q21.3.
Variant type: single nucleotide variant.
Coding change: c.878T>G on transcript NM_004855.5 (MANE Select); coding-DNA position 878, T replaced by G.
Protein change: p.Phe293Cys; replaces phenylalanine 293 with cysteine.
Molecular consequence: missense variant.
Genome position (GRCh38, 1-based): chr15:55,340,643, T>G. VCF-style: chr15-55340643-T-G. GRCh37 (hg19) VCF-style: chr15-55632841-T-G.
Other names: short protein forms F293C.
Identifiers: ClinVar variation 1983409 (VCV001983409.1), dbSNP rs577451466, ClinGen allele CA7573961.
Genomic context (GRCh38, chr15:55,340,643, plus strand): 5'-TCTATTTATTTTTCCTTCAACGGTGCCAGTGGACTCTGGTTCAATTTAATTTTTTGAAAT[T>G]TAACGTGCTGCAGAACTGGGGAACATTTTATGGTTCTCATCCATGGCACTGGTACTTCAG-3'
Protein context (NP_004846.4, residues 283-303): WTLVQFNFLK[Phe293Cys]NVLQNWGTFY

ClinVar aggregate classification (germline): Uncertain significance (1 of 4 stars; one submission).

Allele frequency attached by ClinVar (database versions not stated): gnomAD exomes below 0.00001; ExAC 0.00001; gnomAD 0.00002; TOPMed 0.00002; 1000 Genomes Project 30x 0.00016; 1000 Genomes Project 0.00020.
gnomAD v4.1: 9 of 1,612,394 alleles (0.00056%); highest among the groups gnomAD compares: Admixed American, 0.013%; no homozygotes.

Submission:

Labcorp Genetics (formerly Invitae), Labcorp
Classification: Uncertain significance. Last evaluated: 2022-08-15. Review status: criteria provided, single submitter. Criteria: Invitae Variant Classification Sherloc (09022015). Collection method: clinical testing. Allele origin: germline.
Comment: This sequence change replaces phenylalanine, which is neutral and non-polar, with cysteine, which is neutral and slightly polar, at codon 293 of the PIGB protein (p.Phe293Cys). This variant is present in population databases (rs577451466, gnomAD 0.02%). This variant has not been reported in the literature in individuals affected with PIGB-related conditions. Algorithms developed to predict the effect of missense changes on protein structure and function (SIFT, PolyPhen-2, Align-GVGD) all suggest that this variant is likely to be disruptive. Algorithms developed to predict the effect of sequence changes on RNA splicing suggest that this variant may disrupt the consensus splice site. In summary, the available evidence is currently insufficient to determine the role of this variant in disease. Therefore, it has been classified as a Variant of Uncertain Significance.